The following is an entry in ClinVar:

ClinVar aggregate classification (germline): Uncertain significance (1 of 4 stars; one submission).

Allele frequency attached by ClinVar (database versions not stated): gnomAD exomes below 0.00001; TOPMed below 0.00001.
gnomAD v4.1: 3 of 1,612,154 alleles (0.00019%); highest among the groups gnomAD compares: Non-Finnish European, 0.00025%; no homozygotes.

Submission:

GeneDx
Classification: Uncertain significance. Last evaluated: 2019-04-18. Review status: criteria provided, single submitter. Criteria: GeneDx Variant Classification Process June 2021. Collection method: clinical testing. Allele origin: germline. Affected: yes.
Comment: Not observed in large population cohorts (Lek et al., 2016); In silico analysis, which includes protein predictors and evolutionary conservation, supports a deleterious effect; Has not been previously published as pathogenic or benign to our knowledge

NM_000492.4(CFTR):c.1633G>A (p.Gly545Arg)

Genes: CFTR (CF transmembrane conductance regulator; plus strand), LOC111674475 (CFTR intron 11 enhancer; plus strand). Cytogenetic location: 7q31.2.
Variant type: single nucleotide variant.
Coding change: c.1633G>A on transcript NM_000492.4 (MANE Select); coding-DNA position 1633, G replaced by A.
Protein change: p.Gly545Arg; replaces glycine 545 with arginine.
Molecular consequence: missense variant.
Genome position (GRCh38, 1-based): chr7:117,587,787, G>A. VCF-style: chr7-117587787-G-A. GRCh37 (hg19) VCF-style: chr7-117227841-G-A.
Other names: short protein forms G545R.
Identifiers: ClinVar variation 1305160 (VCV001305160.2), dbSNP rs1791965973, ClinGen allele CA368976011.